The following is an entry in ClinVar:

NM_000256.3(MYBPC3):c.2107G>A (p.Glu703Lys)

Gene: MYBPC3 (myosin binding protein C3; minus strand). Cytogenetic location: 11p11.2.
Variant type: single nucleotide variant.
Coding change: c.2107G>A on transcript NM_000256.3 (MANE Select); coding-DNA position 2107, G replaced by A.
Protein change: p.Glu703Lys; replaces glutamic acid 703 with lysine.
Molecular consequence: missense variant.
Genome position (GRCh38, 1-based): chr11:47,339,365, C>T on the plus strand (G>A on the coding strand, the complement: MYBPC3 is on the minus strand). VCF-style: chr11-47339365-C-T. GRCh37 (hg19) VCF-style: chr11-47360916-C-T.
Other names: short protein forms E703K.
Identifiers: ClinVar variation 806674 (VCV000806674.46), dbSNP rs1595844702, ClinGen allele CA380320980.

ClinVar aggregate classification (germline): Uncertain significance. Review status: criteria provided, multiple submitters, no conflicts (2 of 4 stars). 4 submissions from 4 submitters: Uncertain significance (4). Last evaluated 2025-08-24.

Conditions:
Cardiovascular phenotype. Identifiers: MedGen CN230736.
Hypertrophic cardiomyopathy. Also called: HYPERTROPHIC MYOCARDIOPATHY. Identifiers: Orphanet 217569, MedGen C0007194, MeSH D002312, MONDO:0005045, HP:0001639.

Submissions (4):

Ambry Genetics
Classification: Uncertain significance for Cardiovascular phenotype. Last evaluated: 2025-08-24. Review status: criteria provided, single submitter. Criteria: Ambry Variant Classification Scheme 2023. Collection method: clinical testing. Allele origin: germline.
Comment: The p.E703K variant (also known as c.2107G>A), located in coding exon 22 of the MYBPC3 gene, results from a G to A substitution at nucleotide position 2107. The glutamic acid at codon 703 is replaced by lysine, an amino acid with similar properties. This amino acid position is conserved. In addition, this alteration is predicted to be tolerated by in silico analysis. Based on the available evidence, the clinical significance of this variant remains unclear.

Labcorp Genetics (formerly Invitae), Labcorp
Classification: Uncertain significance for Hypertrophic cardiomyopathy. Last evaluated: 2025-04-17. Review status: criteria provided, single submitter. Criteria: Invitae Variant Classification Sherloc (09022015). Collection method: clinical testing. Allele origin: germline.
Comment: This sequence change replaces glutamic acid, which is acidic and polar, with lysine, which is basic and polar, at codon 703 of the MYBPC3 protein (p.Glu703Lys). This variant is not present in population databases (gnomAD no frequency). This variant has not been reported in the literature in individuals affected with MYBPC3-related conditions. ClinVar contains an entry for this variant (Variation ID: 806674). An algorithm developed to predict the effect of missense changes on protein structure and function (PolyPhen-2) suggests that this variant is likely to be tolerated. In summary, the available evidence is currently insufficient to determine the role of this variant in disease. Therefore, it has been classified as a Variant of Uncertain Significance.

GeneDx
Classification: Uncertain significance. Last evaluated: 2024-05-16. Review status: criteria provided, single submitter. Criteria: GeneDx Variant Classification Process June 2021. Collection method: clinical testing. Allele origin: germline. Affected: yes.
Comment: Not observed at significant frequency in large population cohorts (gnomAD); In silico analysis indicates that this missense variant does not alter protein structure/function; Has not been previously published as pathogenic or benign to our knowledge

CeGaT Center for Human Genetics Tuebingen
Classification: Uncertain significance. Last evaluated: 2017-01-01. Review status: criteria provided, single submitter. Criteria: CeGaT Center For Human Genetics Tuebingen Variant Classification Criteria Version 2. Collection method: clinical testing. Allele origin: germline. Affected: yes. Observed: 1 variant allele.